The following is an entry in ClinVar:

NM_001042492.3(NF1):c.172C>G (p.Leu58Val)

Gene: NF1 (neurofibromin 1; plus strand). Cytogenetic location: 17q11.2.
Variant type: single nucleotide variant.
Coding change: c.172C>G on transcript NM_001042492.3 (MANE Select); coding-DNA position 172, C replaced by G.
Protein change: p.Leu58Val; replaces leucine 58 with valine.
Molecular consequence: missense variant.
Genome position (GRCh38, 1-based): chr17:31,156,094, C>G. VCF-style: chr17-31156094-C-G. GRCh37 (hg19) VCF-style: chr17-29483112-C-G.
Other names: c.172C>G, p.Leu58Val (NM_000267.4, NM_001128147.3); short protein forms L58V.
Identifiers: ClinVar variation 2452210 (VCV002452210.2), dbSNP rs2065657352, ClinGen allele CA398988629.

ClinVar aggregate classification (germline): Uncertain significance (1 of 4 stars; one submission).

Conditions:
Hereditary cancer-predisposing syndrome. Also called: Neoplastic Syndromes, Hereditary; Tumor predisposition; Hereditary neoplastic syndrome; Hereditary Cancer Syndrome. Identifiers: Orphanet 140162, MedGen C0027672, MeSH D009386, MONDO:0015356.
Cardiovascular phenotype. Identifiers: MedGen CN230736.

Submission:

Ambry Genetics
Classification: Uncertain significance for Cardiovascular phenotype; Hereditary cancer-predisposing syndrome. Last evaluated: 2022-11-13. Review status: criteria provided, single submitter. Criteria: Ambry Variant Classification Scheme 2023. Collection method: clinical testing. Allele origin: germline.
Comment: The p.L58V variant (also known as c.172C>G), located in coding exon 2 of the NF1 gene, results from a C to G substitution at nucleotide position 172. The leucine at codon 58 is replaced by valine, an amino acid with highly similar properties. This amino acid position is conserved. In addition, the in silico prediction for this alteration is inconclusive. Since supporting evidence is limited at this time, the clinical significance of this alteration remains unclear.